The following is an entry in ClinVar:

ClinVar aggregate classification (germline): Conflicting classifications of pathogenicity. Review status: criteria provided, conflicting classifications (1 of 4 stars). 2 submissions from 2 submitters: Uncertain significance (1); Likely benign (1). Last evaluated 2025-03-23.

Conditions:
Hereditary pancreatitis (PCTT). Also called: Hereditary chronic pancreatitis; PRSS1-Related Hereditary Pancreatitis. Identifiers: Orphanet 676, MedGen C0238339, MONDO:0008185, OMIM 167800.

Allele frequency attached by ClinVar (database versions not stated): gnomAD 0.00001; gnomAD exomes 0.00001; TOPMed 0.00001.
gnomAD v4.1: 10 of 1,613,336 alleles (0.00062%); highest among the groups gnomAD compares: Admixed American, 0.0067%; no homozygotes.

Submissions (2):

Labcorp Genetics (formerly Invitae), Labcorp
Classification: Uncertain significance. Last evaluated: 2025-03-23. Review status: criteria provided, single submitter. Criteria: Invitae Variant Classification Sherloc (09022015). Collection method: clinical testing. Allele origin: germline.
Comment: This sequence change replaces arginine, which is basic and polar, with glutamine, which is neutral and polar, at codon 54 of the CPA1 protein (p.Arg54Gln). This variant is present in population databases (no rsID available, gnomAD 0.006%). This variant has not been reported in the literature in individuals affected with CPA1-related conditions. ClinVar contains an entry for this variant (Variation ID: 1776578). An algorithm developed to predict the effect of missense changes on protein structure and function outputs the following: PolyPhen-2: "Benign". The glutamine amino acid residue is found in multiple mammalian species, which suggests that this missense change does not adversely affect protein function. In summary, the available evidence is currently insufficient to determine the role of this variant in disease. Therefore, it has been classified as a Variant of Uncertain Significance.

Ambry Genetics
Classification: Likely benign for Hereditary pancreatitis. Last evaluated: 2024-03-21. Review status: criteria provided, single submitter. Criteria: Ambry Variant Classification Scheme 2023. Collection method: clinical testing. Allele origin: germline.

NM_001868.4(CPA1):c.161G>A (p.Arg54Gln)

Gene: CPA1 (carboxypeptidase A1; plus strand). Cytogenetic location: 7q32.2.
Variant type: single nucleotide variant.
Coding change: c.161G>A on transcript NM_001868.4 (MANE Select); coding-DNA position 161, G replaced by A.
Protein change: p.Arg54Gln; replaces arginine 54 with glutamine.
Molecular consequence: missense variant.
Genome position (GRCh38, 1-based): chr7:130,381,643, G>A. VCF-style: chr7-130381643-G-A. GRCh37 (hg19) VCF-style: chr7-130021484-G-A.
Other names: short protein forms R54Q.
Identifiers: ClinVar variation 1776578 (VCV001776578.4), dbSNP rs1303947345, ClinGen allele CA369279547.